The following is an entry in ClinVar:

NM_000059.4(BRCA2):c.1411G>A (p.Glu471Lys)

Gene: BRCA2 (BRCA2 DNA repair associated; plus strand). Cytogenetic location: 13q13.1.
Variant type: single nucleotide variant.
Coding change: c.1411G>A on transcript NM_000059.4 (MANE Select); coding-DNA position 1411, G replaced by A.
Protein change: p.Glu471Lys; replaces glutamic acid 471 with lysine.
Molecular consequence: missense variant.
Genome position (GRCh38, 1-based): chr13:32,332,889, G>A. VCF-style: chr13-32332889-G-A. GRCh37 (hg19) VCF-style: chr13-32907026-G-A.
Other names: short protein forms E471K.
Identifiers: ClinVar variation 935461 (VCV000935461.15), dbSNP rs80358428, ClinGen allele CA387764191.

ClinVar aggregate classification (germline): Conflicting classifications of pathogenicity. Review status: criteria provided, conflicting classifications (1 of 4 stars). 3 submissions from 3 submitters: Uncertain significance (2); Likely benign (1). Last evaluated 2023-03-23.

Conditions:
Hereditary breast ovarian cancer syndrome. Also called: BRCA1- and BRCA2-Associated Hereditary Breast and Ovarian Cancer; Hereditary breast and/or ovarian cancer syndrome; Hereditary breast and ovarian cancer syndrome; Hereditary breast and ovarian cancer; Breast and ovarian cancer; Hereditary breast and ovarian cancer syndrome (HBOC). Identifiers: Orphanet 145, MedGen C0677776, MeSH D061325, MONDO:0003582. Disease mechanism: loss of function.
Hereditary cancer-predisposing syndrome. Also called: Tumor predisposition; Hereditary neoplastic syndrome; Hereditary Cancer Syndrome; Neoplastic Syndromes, Hereditary. Identifiers: Orphanet 140162, MedGen C0027672, MeSH D009386, MONDO:0015356.
BRCA2-related disorder. Also called: BRCA2-related condition; BRCA2-related disorders. Identifiers: MedGen CN239275.

Submissions (3):

University of Washington Department of Laboratory Medicine, University of Washington
Classification: Likely benign for Hereditary cancer-predisposing syndrome. Last evaluated: 2023-03-23. Review status: criteria provided, single submitter. Criteria: Dines et al. (Genet Med. 2020). Collection method: curation. Allele origin: germline.
Comment: Missense variant in a coldspot region where missense variants are very unlikely to be pathogenic (PMID:31911673).

BRCA2 exon 10 coldspot. Reclassification based on statistical prior probability.

Ambry Genetics
Classification: Uncertain significance for Hereditary cancer-predisposing syndrome. Last evaluated: 2022-11-07. Review status: criteria provided, single submitter. Criteria: Ambry Variant Classification Scheme 2023. Collection method: clinical testing. Allele origin: germline.
Comment: The p.E471K variant (also known as c.1411G>A), located in coding exon 9 of the BRCA2 gene, results from a G to A substitution at nucleotide position 1411. The glutamic acid at codon 471 is replaced by lysine, an amino acid with similar properties. This amino acid position is poorly conserved in available vertebrate species. In addition, this alteration is predicted to be tolerated by in silico analysis. Since supporting evidence is limited at this time, the clinical significance of this alteration remains unclear.

Labcorp Genetics (formerly Invitae), Labcorp
Classification: Uncertain significance for Hereditary breast ovarian cancer syndrome. Last evaluated: 2019-08-02. Review status: criteria provided, single submitter. Criteria: Invitae Variant Classification Sherloc (09022015). Collection method: clinical testing. Allele origin: germline.
Comment: In summary, the available evidence is currently insufficient to determine the role of this variant in disease. Therefore, it has been classified as a Variant of Uncertain Significance. Algorithms developed to predict the effect of missense changes on protein structure and function (SIFT, PolyPhen-2, Align-GVGD) all suggest that this variant is likely to be tolerated, but these predictions have not been confirmed by published functional studies and their clinical significance is uncertain. This variant has not been reported in the literature in individuals with BRCA2-related conditions. This variant is not present in population databases (ExAC no frequency). This sequence change replaces glutamic acid with lysine at codon 471 of the BRCA2 protein (p.Glu471Lys). The glutamic acid residue is weakly conserved and there is a small physicochemical difference between glutamic acid and lysine.

Literature cited by the submitters: PubMed 35753294 (cited by Ambry Genetics).